The following is an entry in ClinVar:

NM_002292.4(LAMB2):c.594T>G (p.Asp198Glu)

Gene: LAMB2 (laminin subunit beta 2; minus strand). Cytogenetic location: 3p21.31.
Variant type: single nucleotide variant.
Coding change: c.594T>G on transcript NM_002292.4 (MANE Select); coding-DNA position 594, T replaced by G.
Protein change: p.Asp198Glu; replaces aspartic acid 198 with glutamic acid.
Molecular consequence: missense variant.
Genome position (GRCh38, 1-based): chr3:49,131,589, A>C on the plus strand (T>G on the coding strand, the complement: LAMB2 is on the minus strand). VCF-style: chr3-49131589-A-C. GRCh37 (hg19) VCF-style: chr3-49169022-A-C.
Other names: short protein forms D198E.
Identifiers: ClinVar variation 1441913 (VCV001441913.5), dbSNP rs1344838792, ClinGen allele CA352750205.
Genomic context (GRCh38, chr3:49,131,589, plus strand): 5'-CCTCACCTCGCCTTCAGTGGATGGCTCAATCTCTGAGTAGCGGGACTCACAGACTACATC[A>C]TCCCAGTGCCGTGGGGGTGCTAGTGGGACTCCTGGGAAGTCAGCCCCACAGTCATAGGAG-3'
Protein context (NP_002283.3, residues 188-208): GVPLAPPRHW[Asp198Glu]DVVCESRYSE

ClinVar aggregate classification (germline): Uncertain significance (1 of 4 stars; one submission).

Conditions:
Pierson syndrome. Also called: MICROCORIA-CONGENITAL NEPHROTIC SYNDROME. Identifiers: Orphanet 2670, MedGen C1836876, MONDO:0012184, OMIM 609049.
LAMB2-related infantile-onset nephrotic syndrome. Also called: NEPHROTIC SYNDROME, TYPE 5, WITHOUT OCULAR ABNORMALITIES; NEPHROTIC SYNDROME, TYPE 5, WITH OCULAR ABNORMALITIES; Nephrotic Syndrome, type 5. Identifiers: Orphanet 306507, MedGen C3280113, MONDO:0013621, OMIM 614199.

Allele frequency attached by ClinVar (database versions not stated): gnomAD exomes below 0.00001.
gnomAD v4.1: 3 of 1,613,848 alleles (0.00019%); highest among the groups gnomAD compares: Non-Finnish European, 0.00025%; no homozygotes.

Submission:

Labcorp Genetics (formerly Invitae), Labcorp
Classification: Uncertain significance for LAMB2-related infantile-onset nephrotic syndrome; Pierson syndrome. Last evaluated: 2025-08-06. Review status: criteria provided, single submitter. Criteria: Invitae Variant Classification Sherloc (09022015). Collection method: clinical testing. Allele origin: germline.
Comment: This sequence change replaces aspartic acid, which is acidic and polar, with glutamic acid, which is acidic and polar, at codon 198 of the LAMB2 protein (p.Asp198Glu). This variant is present in population databases (no rsID available, gnomAD 0.0009%). This variant has not been reported in the literature in individuals affected with LAMB2-related conditions. ClinVar contains an entry for this variant (Variation ID: 1441913). An algorithm developed to predict the effect of missense changes on protein structure and function (PolyPhen-2) suggests that this variant is likely to be disruptive. In summary, the available evidence is currently insufficient to determine the role of this variant in disease. Therefore, it has been classified as a Variant of Uncertain Significance.